The following is an entry in ClinVar:

ClinVar aggregate classification (germline): Pathogenic (1 of 4 stars; one submission).

Conditions:
Baller-Gerold syndrome (BGS). Also called: CRANIOSYNOSTOSIS WITH RADIAL DEFECTS. Identifiers: Orphanet 1225, MedGen C0265308, MONDO:0009039, OMIM 218600.

gnomAD v4.1: 4 of 1,612,732 alleles (0.00025%); highest among the groups gnomAD compares: Non-Finnish European, 0.00034%; no homozygotes.

Submission:

Labcorp Genetics (formerly Invitae), Labcorp
Classification: Pathogenic for Baller-Gerold syndrome. Last evaluated: 2024-02-23. Review status: criteria provided, single submitter. Criteria: Invitae Variant Classification Sherloc (09022015). Collection method: clinical testing. Allele origin: germline.
Comment: This sequence change creates a premature translational stop signal (p.Glu422*) in the RECQL4 gene. It is expected to result in an absent or disrupted protein product. Loss-of-function variants in RECQL4 are known to be pathogenic (PMID: 12734318, 12952869). This variant is not present in population databases (gnomAD no frequency). This variant has not been reported in the literature in individuals affected with RECQL4-related conditions. ClinVar contains an entry for this variant (Variation ID: 2057352). Algorithms developed to predict the effect of sequence changes on RNA splicing suggest that this variant may disrupt the consensus splice site. For these reasons, this variant has been classified as Pathogenic.

Literature cited by the submitters: PubMed 12734318; PubMed 12952869.

NM_004260.4(RECQL4):c.1264G>T (p.Glu422Ter)

Gene: RECQL4 (RecQ like helicase 4; minus strand). Cytogenetic location: 8q24.3.
Variant type: single nucleotide variant.
Coding change: c.1264G>T on transcript NM_004260.4 (MANE Select); coding-DNA position 1264, G replaced by T.
Protein change: p.Glu422Ter; replaces glutamic acid 422 with a stop codon.
Molecular consequence: nonsense.
Genome position (GRCh38, 1-based): chr8:144,515,452, C>A on the plus strand (G>T on the coding strand, the complement: RECQL4 is on the minus strand). VCF-style: chr8-144515452-C-A. GRCh37 (hg19) VCF-style: chr8-145740836-C-A.
Other names: c.1168G>T, p.Glu390Ter (NM_001413017.1, NM_001413020.1); c.1264G>T, p.Glu422Ter (NM_001413018.1, NM_001413019.1, NM_001413033.1 and 2 more transcripts); c.193G>T, p.Glu65Ter (NM_001413021.1, NM_001413022.1, NM_001413023.1 and 8 more transcripts); c.1135G>T, p.Glu379Ter (NM_001413025.1); c.127G>T, p.Glu43Ter (NM_001413027.1, NM_001413030.1, NM_001413031.1 and 2 more transcripts); c.913G>T, p.Glu305Ter (NM_001413029.1); c.-204G>T (NM_001413043.1); short protein forms E379*, E65*, E422*, E305*, E390*, E43*.
Identifiers: ClinVar variation 2057352 (VCV002057352.4), dbSNP rs757872564, ClinGen allele CA372686070.
Genomic context (GRCh38, chr8:144,515,452, plus strand): 5'-CAGGTACAGGTTGTGGTGAAGGAACCAGTGGCTCAGGCCCAACAGCATCTGTGTCTTCCT[C>A]ACTTGCTGGGGCAGGCAGGAGAGGGTAGAATGGGAGCTCCAGGTCGGGCAAGACAACCAC-3'